The following is an entry in ClinVar:

ClinVar aggregate classification (germline): Uncertain significance (1 of 4 stars; one submission).

Allele frequency attached by ClinVar (database versions not stated): gnomAD 0.00002.
gnomAD v4.1: 8 of 1,613,718 alleles (0.0005%); highest among the groups gnomAD compares: Non-Finnish European, 0.00068%; no homozygotes.

Submission:

Labcorp Genetics (formerly Invitae), Labcorp
Classification: Uncertain significance. Last evaluated: 2025-09-24. Review status: criteria provided, single submitter. Criteria: Invitae Variant Classification Sherloc (09022015). Collection method: clinical testing. Allele origin: germline.
Comment: This sequence change replaces serine, which is neutral and polar, with arginine, which is basic and polar, at codon 385 of the MKL1 protein (p.Ser385Arg). This variant is present in population databases (no rsID available, gnomAD 0.007%). This variant has not been reported in the literature in individuals affected with MKL1-related conditions. ClinVar contains an entry for this variant (Variation ID: 2419217). An algorithm developed to predict the effect of missense changes on protein structure and function (PolyPhen-2) suggests that this variant is likely to be tolerated. In summary, the available evidence is currently insufficient to determine the role of this variant in disease. Therefore, it has been classified as a Variant of Uncertain Significance.

NM_020831.6(MRTFA):c.1455C>A (p.Ser485Arg)

Gene: MRTFA (myocardin related transcription factor A; minus strand). Cytogenetic location: 22q13.1.
Variant type: single nucleotide variant.
Coding change: c.1455C>A on transcript NM_020831.6 (MANE Select); coding-DNA position 1455, C replaced by A.
Protein change: p.Ser485Arg; replaces serine 485 with arginine.
Molecular consequence: missense variant.
Genome position (GRCh38, 1-based): chr22:40,419,283, G>T on the plus strand (C>A on the coding strand, the complement: MRTFA is on the minus strand). VCF-style: chr22-40419283-G-T. GRCh37 (hg19) VCF-style: chr22-40815287-G-T.
Other names: c.1155C>A, p.Ser385Arg (NM_001282660.2); c.1305C>A, p.Ser435Arg (NM_001282661.3); c.1455C>A, p.Ser485Arg (NM_001282662.3); c.1260C>A, p.Ser420Arg (NM_001318139.2); short protein forms S385R, S420R, S435R, S485R.
Identifiers: ClinVar variation 2419217 (VCV002419217.6), dbSNP rs776339457, ClinGen allele CA411662421.